The following is an entry in ClinVar:

NM_001386298.1(CIC):c.5996del (p.Pro1999fs)

Gene: CIC (capicua transcriptional repressor; plus strand). Cytogenetic location: 19q13.2.
Variant type: Deletion.
Coding change: c.5996del on transcript NM_001386298.1 (MANE Select); coding-DNA position 5996, one base deleted (C; older notation c.5996delC).
Protein change: p.Pro1999fs; shifts the reading frame from proline 1999.
Molecular consequence: frameshift variant.
Genome position (GRCh38, 1-based): chr19:42,292,659, C deleted; the last of 2 consecutive C bases (chr19:42,292,658-42,292,659); deleting either gives the same sequence. VCF-style (leftmost placement, unchanged base first): chr19-42292657-TC-T. GRCh37 (hg19) VCF-style: chr19-42796809-TC-T.
Other names: c.5996del, p.Pro1999fs (NM_001304815.2, NM_001379480.1, NM_001379482.1); c.3269del, p.Pro1090fs (NM_001379484.1, NM_001379485.1, NM_015125.5); short protein forms P1090fs, P1999fs.
Identifiers: ClinVar variation 3900705 (VCV003900705.2).

ClinVar aggregate classification (germline): Pathogenic (1 of 4 stars; one submission).

Conditions:
Intellectual developmental disorder, autosomal dominant 45. Also called: MENTAL RETARDATION, AUTOSOMAL DOMINANT 45; Intellectual disability, autosomal dominant 45. Identifiers: MedGen C4539848, MONDO:0030910, OMIM 617600.

Submission:

MVZ Medizinische Genetik Mainz
Classification: Pathogenic for Intellectual developmental disorder, autosomal dominant 45. Last evaluated: 2025-06-04. Review status: criteria provided, single submitter. Criteria: UK Practice Guidelines For Variant Classification V4 01 2020. Collection method: clinical testing. Allele origin: germline. Inheritance: Autosomal dominant inheritance. Affected: yes. Observed: 1 variant allele.
Comment: ACMG Criteria: PVS1,PM2_SUP